The following is an entry in ClinVar:

NM_000424.4(KRT5):c.715C>T (p.Arg239Cys)

Genes: KRT5 (keratin 5; minus strand), LOC126861526 (BRD4-independent group 4 enhancer GRCh37_chr12:52912066-52913265; plus strand). Cytogenetic location: 12q13.13.
Variant type: single nucleotide variant.
Coding change: c.715C>T on transcript NM_000424.4 (MANE Select); coding-DNA position 715, C replaced by T.
Protein change: p.Arg239Cys; replaces arginine 239 with cysteine.
Molecular consequence: missense variant.
Genome position (GRCh38, 1-based): chr12:52,519,001, G>A on the plus strand (C>T on the coding strand, the complement: KRT5 is on the minus strand). VCF-style: chr12-52519001-G-A. GRCh37 (hg19) VCF-style: chr12-52912785-G-A.
Other names: c.715C>T (NM_000424.3); short protein forms R239C.
Identifiers: ClinVar variation 2433269 (VCV002433269.8), dbSNP rs757766724, ClinGen allele CA6582767.

ClinVar aggregate classification (germline): Uncertain significance. Review status: criteria provided, multiple submitters, no conflicts (2 of 4 stars). 4 submissions from 4 submitters: Uncertain significance (4). Last evaluated 2024-12-17.

Conditions:
Inborn genetic diseases. Identifiers: MedGen C0950123, MeSH D030342.

Allele frequency attached by ClinVar (database versions not stated): gnomAD 0.00001; ExAC 0.00002.
gnomAD v4.1: 67 of 1,613,980 alleles (0.0042%); highest among the groups gnomAD compares: Non-Finnish European, 0.0048%; no homozygotes.

Submissions (4):

Ambry Genetics
Classification: Uncertain significance for Inborn genetic diseases. Last evaluated: 2024-12-17. Review status: criteria provided, single submitter. Criteria: Ambry Variant Classification Scheme 2023. Collection method: clinical testing. Allele origin: germline.

Labcorp Genetics (formerly Invitae), Labcorp
Classification: Uncertain significance. Last evaluated: 2023-06-21. Review status: criteria provided, single submitter. Criteria: Invitae Variant Classification Sherloc (09022015). Collection method: clinical testing. Allele origin: germline.
Comment: In summary, the available evidence is currently insufficient to determine the role of this variant in disease. Therefore, it has been classified as a Variant of Uncertain Significance. Advanced modeling of protein sequence and biophysical properties (such as structural, functional, and spatial information, amino acid conservation, physicochemical variation, residue mobility, and thermodynamic stability) has been performed at Invitae for this missense variant, however the output from this modeling did not meet the statistical confidence thresholds required to predict the impact of this variant on KRT5 protein function. ClinVar contains an entry for this variant (Variation ID: 2433269). This missense change has been observed in individual(s) with epidermolysis bullosa simplex (Invitae). This variant is present in population databases (rs757766724, gnomAD 0.006%). This sequence change replaces arginine, which is basic and polar, with cysteine, which is neutral and slightly polar, at codon 239 of the KRT5 protein (p.Arg239Cys).

Revvity Omics, Revvity
Classification: Uncertain significance. Last evaluated: 2022-09-23. Review status: criteria provided, single submitter. Criteria: ACMG Guidelines, 2015. Collection method: clinical testing. Allele origin: germline.

Blueprint Genetics
Classification: Uncertain significance. Last evaluated: 2020-12-22. Review status: criteria provided, single submitter. Criteria: ACMG Guidelines, 2015. Collection method: clinical testing. Allele origin: germline.